The following is an entry in ClinVar:

ClinVar aggregate classification (germline): Conflicting classifications of pathogenicity. Review status: criteria provided, conflicting classifications (1 of 4 stars). 3 submissions from 3 submitters: Uncertain significance (1); Benign (1); Likely benign (1). Last evaluated 2026-05-01.

Conditions:
Early-infantile DEE. Also called: Early infantile epileptic encephalopathy; Early infantile epileptic encephalopathy with suppression bursts; Ohtahara syndrome. Identifiers: Orphanet 1934, MedGen C0393706, MONDO:0800491.

Allele frequency attached by ClinVar (database versions not stated): gnomAD 0.00013; ESP Exome Variant Server 0.00054.
gnomAD v4.1: 645 of 1,613,652 alleles (0.04%); highest among the groups gnomAD compares: Non-Finnish European, 0.051%; no homozygotes.

Submissions (3):

CeGaT Center for Human Genetics Tuebingen
Classification: Likely benign. Last evaluated: 2026-05-01. Review status: criteria provided, single submitter. Criteria: CeGaT Center For Human Genetics Tuebingen Variant Classification Criteria Version 2. Collection method: clinical testing. Allele origin: germline. Affected: yes. Observed: 2 variant alleles.
Comment: KCNH5: PP3, BS2

Labcorp Genetics (formerly Invitae), Labcorp
Classification: Benign for Early-infantile DEE. Last evaluated: 2026-02-02. Review status: criteria provided, single submitter. Criteria: Invitae Variant Classification Sherloc (09022015). Collection method: clinical testing. Allele origin: germline.

New York Genome Center
Classification: Uncertain significance. Last evaluated: 2020-05-19. Review status: criteria provided, single submitter. Criteria: NYGC Assertion Criteria 2020. Collection method: clinical testing. Allele origin: germline. Observed: 1 heterozygote. Study: CSER-NYCKidSeq.

NM_139318.5(KCNH5):c.1579A>T (p.Ile527Phe)

Gene: KCNH5 (potassium voltage-gated channel subfamily H member 5; minus strand). Cytogenetic location: 14q23.2.
Variant type: single nucleotide variant.
Coding change: c.1579A>T on transcript NM_139318.5 (MANE Select); coding-DNA position 1579, A replaced by T.
Protein change: p.Ile527Phe; replaces isoleucine 527 with phenylalanine.
Molecular consequence: missense variant.
Genome position (GRCh38, 1-based): chr14:62,802,572, T>A on the plus strand (A>T on the coding strand, the complement: KCNH5 is on the minus strand). VCF-style: chr14-62802572-T-A. GRCh37 (hg19) VCF-style: chr14-63269290-T-A.
Other names: c.1579A>T, p.Ile527Phe (NM_172375.3); short protein forms I527F.
Identifiers: ClinVar variation 658479 (VCV000658479.18), dbSNP rs149561461, ClinGen allele CA7217438.